The following is an entry in ClinVar:

NM_020877.5(DNAH2):c.4154A>G (p.Tyr1385Cys)

Gene: DNAH2 (dynein axonemal heavy chain 2; plus strand). Cytogenetic location: 17p13.1.
Variant type: single nucleotide variant.
Coding change: c.4154A>G on transcript NM_020877.5 (MANE Select); coding-DNA position 4154, A replaced by G.
Protein change: p.Tyr1385Cys; replaces tyrosine 1385 with cysteine.
Molecular consequence: missense variant.
Genome position (GRCh38, 1-based): chr17:7,770,612, A>G. VCF-style: chr17-7770612-A-G. GRCh37 (hg19) VCF-style: chr17-7673930-A-G.
Other names: c.4154A>G (NM_020877.3); short protein forms Y1385C.
Identifiers: ClinVar variation 2578779 (VCV002578779.26), dbSNP rs140035206, ClinGen allele CA8357050.

ClinVar aggregate classification (germline): Likely benign. Review status: criteria provided, single submitter (1 of 4 stars). 2 submissions from 2 submitters: Likely benign (1). 1 of the submissions does not count toward it. Last evaluated 2025-12-01.

Conditions:
DNAH2-related disorder. Also called: DNAH2-related condition.

Allele frequency attached by ClinVar (database versions not stated): 1000 Genomes Project 30x 0.00219; 1000 Genomes Project 0.00220; ExAC 0.00402; ESP Exome Variant Server 0.00408; TOPMed 0.00434; gnomAD 0.00436; gnomAD exomes 0.00512.

Submissions (2):

CeGaT Center for Human Genetics Tuebingen
Classification: Likely benign. Last evaluated: 2025-12-01. Review status: criteria provided, single submitter. Criteria: CeGaT Center For Human Genetics Tuebingen Variant Classification Criteria Version 2. Collection method: clinical testing. Allele origin: germline. Affected: yes. Observed: 6 variant alleles.
Comment: DNAH2: BS2

PreventionGenetics, part of Exact Sciences
Classification: Likely benign for DNAH2-related condition. Last evaluated: 2019-02-21. Review status: no assertion criteria provided. Collection method: clinical testing. Allele origin: germline. Not counted in ClinVar's aggregate classification.
Comment: This variant is classified as likely benign based on ACMG/AMP sequence variant interpretation guidelines (Richards et al. 2015 PMID: 25741868, with internal and published modifications).